The following is an entry in ClinVar:

NM_001354604.2(MITF):c.670del (p.Asp224fs)

Gene: MITF (melanocyte inducing transcription factor; plus strand). Cytogenetic location: 3p13.
Variant type: Deletion.
Coding change: c.670del on transcript NM_001354604.2 (MANE Select); coding-DNA position 670, one base deleted (G; older notation c.670delG).
Protein change: p.Asp224fs; shifts the reading frame from aspartic acid 224.
Molecular consequence: frameshift variant.
Genome position (GRCh38, 1-based): chr3:69,941,239, G deleted; the last of 2 consecutive G bases (chr3:69,941,238-69,941,239); deleting either gives the same sequence. VCF-style (leftmost placement, unchanged base first): chr3-69941237-TG-T. GRCh37 (hg19) VCF-style: chr3-69990388-TG-T.
Other names: c.349del, p.Asp117fs (NM_000248.4, NM_198158.3); c.514del, p.Asp172fs (NM_001184967.2, NM_001354608.2); c.667del, p.Asp223fs (NM_001354605.2, NM_001354606.2, NM_006722.3); c.619del, p.Asp207fs (NM_001354607.2); c.670del, p.Asp224fs (NM_198159.3); c.622del, p.Asp208fs (NM_198177.3); c.181del, p.Asp61fs (NM_198178.3); short protein forms D117fs, D172fs, D207fs, D208fs, D223fs, D224fs, D61fs.
Identifiers: ClinVar variation 3754752 (VCV003754752.2).

ClinVar aggregate classification (germline): Pathogenic (1 of 4 stars; one submission).

Conditions:
Waardenburg syndrome type 2A (WS2A). Also called: WAARDENBURG SYNDROME WITHOUT DYSTOPIA CANTHORUM. Identifiers: Orphanet 3440, MedGen C1860339, MONDO:0008671, OMIM 193510.
Tietz syndrome (TADS). Also called: ALBINISM-DEAFNESS OF TIETZ; HYPOPIGMENTATION/DEAFNESS OF TIETZ; TIETZ ALBINISM-DEAFNESS SYNDROME. Identifiers: Orphanet 42665, MedGen C0391816, MONDO:0007077, OMIM 103500.
Melanoma, cutaneous malignant, susceptibility to, 8. Also called: MELANOMA AND RENAL CELL CARCINOMA, SUSCEPTIBILITY TO; Cutaneous malignant melanoma 8. Identifiers: Orphanet 293822, MedGen C3152204, MONDO:0013759, OMIM 614456.

Submission:

Labcorp Genetics (formerly Invitae), Labcorp
Classification: Pathogenic for Melanoma, cutaneous malignant, susceptibility to, 8; Waardenburg syndrome type 2A; Tietz syndrome. Last evaluated: 2024-02-17. Review status: criteria provided, single submitter. Criteria: Invitae Variant Classification Sherloc (09022015). Collection method: clinical testing. Allele origin: germline.
Comment: This sequence change creates a premature translational stop signal (p.Asp117Metfs*3) in the MITF gene. It is expected to result in an absent or disrupted protein product. Loss-of-function variants in MITF are known to be pathogenic (PMID: 8659547, 20127975). This variant is not present in population databases (gnomAD no frequency). This variant has not been reported in the literature in individuals affected with MITF-related conditions. For these reasons, this variant has been classified as Pathogenic.

Literature cited by the submitters: PubMed 8659547; PubMed 20127975.